The following is an entry in ClinVar:

ClinVar aggregate classification (germline): Uncertain significance (1 of 4 stars; one submission).

Conditions:
Agenesis of the corpus callosum with peripheral neuropathy (ACCPN). Also called: POLYNEUROPATHY, SENSORIMOTOR, WITH OR WITHOUT AGENESIS OF THE CORPUS CALLOSUM; HMSN/ACC; CHARLEVOIX DISEASE; Hereditary Motor and Sensory Neuropathy with Agenesis of the Corpus Callosum. Identifiers: Orphanet 1496, MedGen C0795950, MONDO:0000902, OMIM 218000. Disease mechanism: loss of function.

Allele frequency attached by ClinVar (database versions not stated): TOPMed below 0.00001.
gnomAD v4.1: 6 of 1,613,630 alleles (0.00037%); highest among the groups gnomAD compares: Non-Finnish European, 0.00034%; no homozygotes.

Submission:

Baylor Genetics
Classification: Uncertain significance for Agenesis of the corpus callosum with peripheral neuropathy. Last evaluated: 2018-07-31. Review status: criteria provided, single submitter. Criteria: ACMG Guidelines, 2015. Collection method: clinical testing. Allele origin: maternal. Affected: yes.
Comment: This variant was determined to be of uncertain significance according to ACMG Guidelines, 2015 [PMID:25741868].

NM_001365088.1(SLC12A6):c.2593C>A (p.Arg865Ser)

Genes: SLC12A6 (solute carrier family 12 member 6; minus strand), LOC126862097 (P300/CBP strongly-dependent group 1 enhancer GRCh37_chr15:34531007-34532206; plus strand). Cytogenetic location: 15q14.
Variant type: single nucleotide variant.
Coding change: c.2593C>A on transcript NM_001365088.1 (MANE Select); coding-DNA position 2593, C replaced by A.
Protein change: p.Arg865Ser; replaces arginine 865 with serine.
Molecular consequence: missense variant.
Genome position (GRCh38, 1-based): chr15:34,239,004, G>T on the plus strand (C>A on the coding strand, the complement: SLC12A6 is on the minus strand). VCF-style: chr15-34239004-G-T. GRCh37 (hg19) VCF-style: chr15-34531205-G-T.
Other names: c.2416C>A, p.Arg806Ser (NM_001042494.2, NM_001042495.2); c.2566C>A, p.Arg856Ser (NM_001042496.2); c.2548C>A, p.Arg850Ser (NM_001042497.2); c.2440C>A, p.Arg814Ser (NM_005135.2); c.2593C>A, p.Arg865Ser (NM_133647.2); short protein forms R806S, R856S, R865S, R814S, R850S.
Identifiers: ClinVar variation 1031609 (VCV001031609.1), dbSNP rs766850109, ClinGen allele CA7464060.